The following is an entry in ClinVar:

NM_000890.5(KCNJ5):c.615C>T (p.Asn205=)

Gene: KCNJ5 (potassium inwardly rectifying channel subfamily J member 5; plus strand). Cytogenetic location: 11q24.3.
Variant type: single nucleotide variant.
Coding change: c.615C>T on transcript NM_000890.5 (MANE Select); coding-DNA position 615, C replaced by T.
Protein change: p.Asn205=; no amino-acid change (asparagine 205 retained).
Molecular consequence: synonymous variant.
Genome position (GRCh38, 1-based): chr11:128,911,888, C>T. VCF-style: chr11-128911888-C-T. GRCh37 (hg19) VCF-style: chr11-128781783-C-T.
Other names: c.615C>T, p.Asn205= (NM_001354169.2).
Identifiers: ClinVar variation 703276 (VCV000703276.14), dbSNP rs370546974, ClinGen allele CA6357901.

ClinVar aggregate classification (germline): Likely benign. Review status: criteria provided, multiple submitters, no conflicts (2 of 4 stars). 3 submissions from 3 submitters: Likely benign (2). 1 of the submissions does not count toward it. Last evaluated 2023-07-19.

Conditions:
Long QT syndrome (LQTS). Identifiers: MedGen C0023976, MeSH D008133, MONDO:0002442. Disease mechanism: loss of function. Inheritance: Various modes of inheritance.
Cardiovascular phenotype. Identifiers: MedGen CN230736.
KCNJ5-related disorder. Also called: KCNJ5-related condition.

Allele frequency attached by ClinVar (database versions not stated): TOPMed 0.00002; gnomAD 0.00003; gnomAD exomes 0.00003 and 0.00006; ExAC 0.00007; ESP Exome Variant Server 0.00008.

Submissions (3):

Labcorp Genetics (formerly Invitae), Labcorp
Classification: Likely benign for Long QT syndrome. Last evaluated: 2023-07-19. Review status: criteria provided, single submitter. Criteria: Invitae Variant Classification Sherloc (09022015). Collection method: clinical testing. Allele origin: germline.

Ambry Genetics
Classification: Likely benign for Cardiovascular phenotype. Last evaluated: 2022-11-27. Review status: criteria provided, single submitter. Criteria: Ambry Variant Classification Scheme 2023. Collection method: clinical testing. Allele origin: germline.

PreventionGenetics, part of Exact Sciences
Classification: Likely benign for KCNJ5-related condition. Last evaluated: 2019-11-26. Review status: no assertion criteria provided. Collection method: clinical testing. Allele origin: germline. Not counted in ClinVar's aggregate classification.
Comment: This variant is classified as likely benign based on ACMG/AMP sequence variant interpretation guidelines (Richards et al. 2015 PMID: 25741868, with internal and published modifications).